The following is an entry in ClinVar:

NM_000642.3(AGL):c.1858dup (p.Leu620fs)

Gene: AGL (amylo-alpha-1,6-glucosidase and 4-alpha-glucanotransferase; plus strand). Cytogenetic location: 1p21.2.
Variant type: Duplication.
Coding change: c.1858dup on transcript NM_000642.3 (MANE Select); coding-DNA position 1858, one base duplicated (C; older notation c.1858dupC).
Protein change: p.Leu620fs; shifts the reading frame from leucine 620.
Molecular consequence: frameshift variant.
Genome position (GRCh38, 1-based): chr1:99,880,754, C duplicated; the last of 3 consecutive C bases (chr1:99,880,752-99,880,754); duplicating any one gives the same sequence. VCF-style (leftmost placement, unchanged base first): chr1-99880751-G-GC. GRCh37 (hg19) VCF-style: chr1-100346307-G-GC.
Other names: c.1858dup, p.Leu620Profs (NM_000028.3, NM_000643.3, NM_000644.3 and 2 more transcripts); c.1810dup, p.Leu604Profs (NM_000646.3); c.1657dup, p.Leu553Profs (NM_001425327.1); c.1654dup, p.Leu552Profs (NM_001425328.1, NM_001425329.1); c.1480dup, p.Leu494Profs (NM_001425332.1); short protein forms L604fs, L620fs.
Identifiers: ClinVar variation 1726412 (VCV001726412.2), dbSNP rs2524643943, ClinGen allele CA2580063389.

ClinVar aggregate classification (germline): Likely pathogenic (1 of 4 stars; one submission).

Conditions:
Glycogen storage disease type III (GSD3). Also called: FORBES DISEASE; Cori disease. Identifiers: Orphanet 366, MedGen C0017922, MONDO:0009291, OMIM 232400.

Submission:

Myriad Genetics, Inc.
Classification: Likely pathogenic for Glycogen storage disease type III. Last evaluated: 2021-12-17. Review status: criteria provided, single submitter. Criteria: Myriad Women's Health Autosomal Recessive and X-Linked Classification Criteria (2021). Collection method: clinical testing. Allele origin: unknown.
Comment: NM_000642.2(AGL):c.1858dupC(L620Pfs*8) is expected to be pathogenic in the context of glycogen storage disease type III. This variant is predicted to lead to an abnormal or absent protein product due to the creation of a premature termination codon in AGL, a gene where loss-of-function variants are known to be pathogenic. Please note: this variant was assessed in the context of healthy population screening.